The following is an entry in ClinVar:

ClinVar aggregate classification (germline): Likely pathogenic (1 of 4 stars; one submission).

Submission:

GeneDx
Classification: Likely pathogenic. Last evaluated: 2026-06-04. Review status: criteria provided, single submitter. Criteria: GeneDx Variant Classification Process June 2021. Collection method: clinical testing. Allele origin: germline.
Comment: Nonsense variant predicted to result in protein truncation, as the last 531 amino acid(s) are lost, and other loss-of-function variants have been reported downstream in HGMD; Not observed at significant frequency in large population cohorts (gnomAD); Has not been previously published as pathogenic or benign to our knowledge

NM_173495.3(PTCHD1):c.1072C>T (p.Gln358Ter)

Gene: PTCHD1 (patched domain containing 1; plus strand). Cytogenetic location: Xp22.11.
Variant type: single nucleotide variant.
Coding change: c.1072C>T on transcript NM_173495.3 (MANE Select); coding-DNA position 1072, C replaced by T.
Protein change: p.Gln358Ter; replaces glutamine 358 with a stop codon.
Molecular consequence: nonsense.
Genome position (GRCh38, 1-based): chrX:23,392,590, C>T. VCF-style: chrX-23392590-C-T. GRCh37 (hg19) VCF-style: chrX-23410707-C-T.
Other names: short protein forms Q358*.
Identifiers: ClinVar variation 4685102 (VCV004685102.2).